The following is an entry in ClinVar:

ClinVar aggregate classification (germline): Uncertain significance (1 of 4 stars; one submission).

Conditions:
Charlevoix-Saguenay spastic ataxia (SACS). Also called: AUTOSOMAL RECESSIVE SPASTIC ATAXIA OF CHARLEVOIX-SAGUENAY; Spastic ataxia of Charlevoix-Saguenay; SPASTIC ATAXIA 6, AUTOSOMAL RECESSIVE. Identifiers: Orphanet 98, MedGen C1849140, MONDO:0010041, OMIM 270550.

Submission:

Myriad Genetics, Inc.
Classification: Uncertain significance for Charlevoix-Saguenay spastic ataxia. Last evaluated: 2025-10-27. Review status: criteria provided, single submitter. Criteria: Myriad Autosomal Dominant, Autosomal Recessive and X-Linked Classification Criteria (2023). Collection method: clinical testing. Allele origin: unknown.
Comment: NM_014363.4(SACS):c.13740A>G(*4580Wext*29) is a stop-loss variant that results in protein elongation classified as a variant of uncertain significance in the context of autosomal recessive spastic ataxia of Charlevoix-Saguenay. *4580Wext*29 has not been observed in cases with relevant disease. Relevant functional assessments of this variant are not available in the literature. *4580Wext*29 has not been observed in referenced population frequency databases. In summary, there is insufficient evidence to classify NM_014363.4(SACS):c.13740A>G(*4580Wext*29) as pathogenic or benign. Please note: this variant was assessed in the context of healthy population screening.

NM_014363.6(SACS):c.13740A>G (p.Ter4580Trp)

Gene: SACS (sacsin molecular chaperone; minus strand). Cytogenetic location: 13q12.12.
Variant type: single nucleotide variant.
Coding change: c.13740A>G on transcript NM_014363.6 (MANE Select); coding-DNA position 13740, A replaced by G.
Protein change: p.Ter4580Trp.
Molecular consequence: stop lost.
Genome position (GRCh38, 1-based): chr13:23,330,136, T>C on the plus strand (A>G on the coding strand, the complement: SACS is on the minus strand). VCF-style: chr13-23330136-T-C. GRCh37 (hg19) VCF-style: chr13-23904275-T-C.
Other names: c.13299A>G, p.Ter4433Trp (NM_001278055.2); c.13767A>G, p.Ter4589Trp (NM_001437336.1).
Identifiers: ClinVar variation 5004245 (VCV005004245.1).